The following is an entry in ClinVar:

NM_001025603.2(RFX5):c.857A>G (p.Gln286Arg)

Gene: RFX5 (regulatory factor X5; minus strand). Cytogenetic location: 1q21.3.
Variant type: single nucleotide variant.
Coding change: c.857A>G on transcript NM_001025603.2 (MANE Select); coding-DNA position 857, A replaced by G.
Protein change: p.Gln286Arg; replaces glutamine 286 with arginine.
Molecular consequence: missense variant.
Genome position (GRCh38, 1-based): chr1:151,343,343, T>C on the plus strand (A>G on the coding strand, the complement: RFX5 is on the minus strand). VCF-style: chr1-151343343-T-C. GRCh37 (hg19) VCF-style: chr1-151315819-T-C.
Other names: c.857A>G, p.Gln286Arg (NM_000449.4, NM_001379412.1, NM_001379413.1 and 5 more transcripts); c.737A>G, p.Gln246Arg (NM_001379419.1, NM_001379420.1); short protein forms Q286R, Q246R.
Identifiers: ClinVar variation 1940499 (VCV001940499.6), dbSNP rs749274849, ClinGen allele CA1089734.

ClinVar aggregate classification (germline): Uncertain significance. Review status: criteria provided, multiple submitters, no conflicts (2 of 4 stars). 2 submissions from 2 submitters: Uncertain significance (2). Last evaluated 2024-06-28.

Conditions:
MHC class II deficiency. Also called: Bare lymphocyte syndrome 2; BLS, TYPE II. Identifiers: Orphanet 572, MedGen C5447452, MONDO:0008855.

Allele frequency attached by ClinVar (database versions not stated): TOPMed below 0.00001; ExAC 0.00001; gnomAD exomes 0.00001.
gnomAD v4.1: 10 of 1,612,988 alleles (0.00062%); highest among the groups gnomAD compares: Non-Finnish European, 0.00076%; no homozygotes.

Submissions (2):

Ambry Genetics
Classification: Uncertain significance. Last evaluated: 2024-06-28. Review status: criteria provided, single submitter. Criteria: Ambry Variant Classification Scheme 2023. Collection method: clinical testing. Allele origin: germline.

Labcorp Genetics (formerly Invitae), Labcorp
Classification: Uncertain significance for MHC class II deficiency. Last evaluated: 2022-07-15. Review status: criteria provided, single submitter. Criteria: Invitae Variant Classification Sherloc (09022015). Collection method: clinical testing. Allele origin: germline.
Comment: This sequence change replaces glutamine, which is neutral and polar, with arginine, which is basic and polar, at codon 286 of the RFX5 protein (p.Gln286Arg). This variant is not present in population databases (gnomAD no frequency). This variant has not been reported in the literature in individuals affected with RFX5-related conditions. Algorithms developed to predict the effect of missense changes on protein structure and function (SIFT, PolyPhen-2, Align-GVGD) all suggest that this variant is likely to be tolerated. In summary, the available evidence is currently insufficient to determine the role of this variant in disease. Therefore, it has been classified as a Variant of Uncertain Significance.